The following is an entry in ClinVar:

NM_002382.5(MAX):c.398C>T (p.Ala133Val)

Gene: MAX (MYC associated transcriptional regulator X; minus strand). Cytogenetic location: 14q23.3.
Variant type: single nucleotide variant.
Coding change: c.398C>T on transcript NM_002382.5 (MANE Select); coding-DNA position 398, C replaced by T.
Protein change: p.Ala133Val; replaces alanine 133 with valine.
Molecular consequence: missense variant. On other transcripts: intron variant (2), 3 prime UTR variant (1).
Genome position (GRCh38, 1-based): chr14:65,076,561, G>A on the plus strand (C>T on the coding strand, the complement: MAX is on the minus strand). VCF-style: chr14-65076561-G-A. GRCh37 (hg19) VCF-style: chr14-65543279-G-A.
Other names: c.209C>T, p.Ala70Val (NM_001320415.2, NM_001407105.1, NM_001407106.1 and 1 more transcripts); c.398C>T, p.Ala133Val (NM_001407094.1); c.371C>T, p.Ala124Val (NM_001407095.1, NM_145112.3); c.*171C>T (NM_001407096.1, NM_001407099.1, NM_001407102.1 and 2 more transcripts); c.*187C>T (NM_001407097.1, NM_001407100.1, NM_001407101.1 and 4 more transcripts); c.290C>T, p.Ala97Val (NM_001407098.1); c.197C>T, p.Ala66Val (NM_001407111.1, NM_001407112.1); c.144+17147C>T (NM_001271069.2); and 1 more; short protein forms A70V, A97V, A124V, A66V, A133V.
Identifiers: ClinVar variation 1736758 (VCV001736758.7), dbSNP rs2504174085, ClinGen allele CA390031573.

ClinVar aggregate classification (germline): Uncertain significance. Review status: criteria provided, multiple submitters, no conflicts (2 of 4 stars). 2 submissions from 2 submitters: Uncertain significance (2). Last evaluated 2022-10-23.

Conditions:
Hereditary cancer-predisposing syndrome. Also called: Neoplastic Syndromes, Hereditary; Tumor predisposition; Hereditary Cancer Syndrome; Hereditary neoplastic syndrome. Identifiers: Orphanet 140162, MedGen C0027672, MeSH D009386, MONDO:0015356.
Hereditary pheochromocytoma and paraganglioma. Also called: Hereditary pheochromocytoma-paraganglioma; Hereditary paragangliomas and pheochromocytomas; Hereditary Paraganglioma-Pheochromocytoma Syndromes. Identifiers: Orphanet 29072, MedGen C4274332, MONDO:0017366.

Submissions (2):

Labcorp Genetics (formerly Invitae), Labcorp
Classification: Uncertain significance for Hereditary pheochromocytoma and paraganglioma. Last evaluated: 2022-10-23. Review status: criteria provided, single submitter. Criteria: Invitae Variant Classification Sherloc (09022015). Collection method: clinical testing. Allele origin: germline.
Comment: In summary, the available evidence is currently insufficient to determine the role of this variant in disease. Therefore, it has been classified as a Variant of Uncertain Significance. Algorithms developed to predict the effect of missense changes on protein structure and function are either unavailable or do not agree on the potential impact of this missense change (SIFT: "Deleterious"; PolyPhen-2: "Possibly Damaging"; Align-GVGD: "Class C0"). This variant has not been reported in the literature in individuals affected with MAX-related conditions. This variant is not present in population databases (gnomAD no frequency). This sequence change replaces alanine, which is neutral and non-polar, with valine, which is neutral and non-polar, at codon 133 of the MAX protein (p.Ala133Val).

Ambry Genetics
Classification: Uncertain significance for Hereditary cancer-predisposing syndrome. Last evaluated: 2022-01-04. Review status: criteria provided, single submitter. Criteria: Ambry Variant Classification Scheme 2023. Collection method: clinical testing. Allele origin: germline.
Comment: The p.A133V variant (also known as c.398C>T), located in coding exon 5 of the MAX gene, results from a C to T substitution at nucleotide position 398. The alanine at codon 133 is replaced by valine, an amino acid with similar properties. This amino acid position is conserved. In addition, this alteration is predicted to be deleterious by in silico analysis. Since supporting evidence is limited at this time, the clinical significance of this alteration remains unclear.